The following is an entry in ClinVar:

ClinVar aggregate classification (germline): Likely benign. Review status: criteria provided, single submitter (1 of 4 stars). 2 submissions from 2 submitters: Likely benign (1). 1 of the submissions does not count toward it. Last evaluated 2024-10-04.

Conditions:
SLC20A2-related disorder. Also called: SLC20A2-related condition.
Inborn genetic diseases. Identifiers: MedGen C0950123, MeSH D030342.

gnomAD v4.1: 210 of 1,613,946 alleles (0.013%); highest among the groups gnomAD compares: South Asian, 0.047%; 1 homozygote.

Submissions (2):

Ambry Genetics
Classification: Likely benign for Inborn genetic diseases. Last evaluated: 2024-10-04. Review status: criteria provided, single submitter. Criteria: Ambry Variant Classification Scheme 2023. Collection method: clinical testing. Allele origin: germline.

PreventionGenetics, part of Exact Sciences
Classification: Likely benign for SLC20A2-related condition. Last evaluated: 2024-04-02. Review status: no assertion criteria provided. Collection method: clinical testing. Allele origin: germline. Not counted in ClinVar's aggregate classification.
Comment: This variant is classified as likely benign based on ACMG/AMP sequence variant interpretation guidelines (Richards et al. 2015 PMID: 25741868, with internal and published modifications).

NM_001257180.2(SLC20A2):c.1600G>A (p.Val534Ile)

Gene: SLC20A2 (solute carrier family 20 member 2; minus strand). Cytogenetic location: 8p11.21.
Variant type: single nucleotide variant.
Coding change: c.1600G>A on transcript NM_001257180.2 (MANE Select); coding-DNA position 1600, G replaced by A.
Protein change: p.Val534Ile; replaces valine 534 with isoleucine.
Molecular consequence: missense variant.
Genome position (GRCh38, 1-based): chr8:42,430,173, C>T on the plus strand (G>A on the coding strand, the complement: SLC20A2 is on the minus strand). VCF-style: chr8-42430173-C-T. GRCh37 (hg19) VCF-style: chr8-42287691-C-T.
Other names: c.1600G>A, p.Val534Ile (NM_001257181.2, NM_006749.5); c.1600G>A (NM_006749.3); short protein forms V534I.
Identifiers: ClinVar variation 3352295 (VCV003352295.2).